The following is an entry in ClinVar:

ClinVar aggregate classification (germline): Uncertain significance (1 of 4 stars; one submission).

gnomAD v4.1: 1 of 1,614,214 alleles (0.000062%); highest among the groups gnomAD compares: African/African-American, 0.0013%; no homozygotes.

Submission:

Labcorp Genetics (formerly Invitae), Labcorp
Classification: Uncertain significance. Last evaluated: 2025-06-10. Review status: criteria provided, single submitter. Criteria: Invitae Variant Classification Sherloc (09022015). Collection method: clinical testing. Allele origin: germline.
Comment: This sequence change replaces isoleucine, which is neutral and non-polar, with leucine, which is neutral and non-polar, at codon 343 of the FZD2 protein (p.Ile343Leu). This variant is not present in population databases (gnomAD no frequency). This variant has not been reported in the literature in individuals affected with FZD2-related conditions. Invitae Evidence Modeling of protein sequence and biophysical properties (such as structural, functional, and spatial information, amino acid conservation, physicochemical variation, residue mobility, and thermodynamic stability) indicates that this missense variant is not expected to disrupt FZD2 protein function with a negative predictive value of 80%. In summary, the available evidence is currently insufficient to determine the role of this variant in disease. Therefore, it has been classified as a Variant of Uncertain Significance.

NM_001466.4(FZD2):c.1027A>C (p.Ile343Leu)

Gene: FZD2 (frizzled class receptor 2; plus strand). Cytogenetic location: 17q21.31.
Variant type: single nucleotide variant.
Coding change: c.1027A>C on transcript NM_001466.4 (MANE Select); coding-DNA position 1027, A replaced by C.
Protein change: p.Ile343Leu; replaces isoleucine 343 with leucine.
Molecular consequence: missense variant.
Genome position (GRCh38, 1-based): chr17:44,558,715, A>C. VCF-style: chr17-44558715-A-C. GRCh37 (hg19) VCF-style: chr17-42636083-A-C.
Other names: short protein forms I343L.
Identifiers: ClinVar variation 4771239 (VCV004771239.1).